The following is an entry in ClinVar:

NM_053025.4(MYLK):c.1486C>G (p.Leu496Val)

Gene: MYLK (myosin light chain kinase; minus strand). Cytogenetic location: 3q21.1.
Variant type: single nucleotide variant.
Coding change: c.1486C>G on transcript NM_053025.4 (MANE Select); coding-DNA position 1486, C replaced by G.
Protein change: p.Leu496Val; replaces leucine 496 with valine.
Molecular consequence: missense variant. On other transcripts: intron variant (2).
Genome position (GRCh38, 1-based): chr3:123,732,926, G>C on the plus strand (C>G on the coding strand, the complement: MYLK is on the minus strand). VCF-style: chr3-123732926-G-C. GRCh37 (hg19) VCF-style: chr3-123451773-G-C.
Other names: c.958C>G, p.Leu320Val (NM_001321309.2); c.1486C>G, p.Leu496Val (NM_053027.4); c.1309+761C>G (NM_053028.4, NM_053026.4); short protein forms L496V, L320V.
Identifiers: ClinVar variation 226755 (VCV000226755.46), dbSNP rs9833275, ClinGen allele CA067123.
Genomic context (GRCh38, chr3:123,732,926, plus strand): 5'-ATGCGGGGTGACCTGGAGAAGTGTACTCACTTTCCACTTGGAGGGTCCAGCTACAGGACA[G>C]CTGGCCTTGGGCGTTGGAAGCAGTGCAGCTGTATGTCCCACTGTCCCTGGTCCGGGCTTT-3'
Protein context (NP_444253.3, residues 486-506): SCTASNAQGQ[Leu496Val]SCSWTLQVER

ClinVar aggregate classification (germline): Benign. Review status: criteria provided, multiple submitters, no conflicts (2 of 4 stars). 19 submissions from 18 submitters: Benign (16). 3 of the submissions do not count toward it. Last evaluated 2026-02-04.

Conditions:
Megacystis, microcolon, hypoperistalsis syndrome. Also called: Berdon syndrome; Megacystis-microcolon-intestinal hypoperistalsis syndrome. Identifiers: Orphanet 2241, MedGen C1608393, MONDO:0025986.
Familial thoracic aortic aneurysm and aortic dissection (TAAD). Also called: Thoracic aortic aneurysms and dissections. Identifiers: Orphanet 91387, MedGen C4707243, MONDO:0019625.
Aortic aneurysm, familial thoracic 7 (AAT7). Also called: AORTIC DISSECTION, FAMILIAL, WITH OR WITHOUT AORTIC ANEURYSM. Identifiers: MedGen C3151077, MONDO:0013418, OMIM 613780.

Allele frequency attached by ClinVar (database versions not stated): gnomAD 0.99852 and 0.99865; TOPMed 0.99861; ESP Exome Variant Server 0.99862; 1000 Genomes Project 0.99900; 1000 Genomes Project 30x 0.99906; ExAC 0.99962; gnomAD exomes 0.99970.
gnomAD v4.1: 1,613,810 of 1,614,178 alleles (100%); highest among the groups gnomAD compares: Middle Eastern, 100%; 806,722 homozygotes.

Submissions (19):

Labcorp Genetics (formerly Invitae), Labcorp
Classification: Benign for Aortic aneurysm, familial thoracic 7. Last evaluated: 2026-02-04. Review status: criteria provided, single submitter. Criteria: Invitae Variant Classification Sherloc (09022015). Collection method: clinical testing. Allele origin: germline.

ARUP Laboratories, Molecular Genetics and Genomics, ARUP Laboratories
Classification: Benign. Last evaluated: 2025-07-29. Review status: criteria provided, single submitter. Criteria: ARUP Molecular Germline Variant Investigation Process 2024. Collection method: clinical testing. Allele origin: germline.

Molecular Diagnostic Laboratory for Inherited Cardiovascular Disease, Montreal Heart Institute
Classification: Benign. Last evaluated: 2025-04-09. Review status: criteria provided, single submitter. Criteria: ACMG Guidelines, 2015. Collection method: clinical testing. Allele origin: germline. Affected: no.

Blueprint Genetics
Classification: Benign. Last evaluated: 2024-11-26. Review status: criteria provided, single submitter. Criteria: ACMG Guidelines, 2015. Collection method: clinical testing. Allele origin: germline.

Genome-Nilou Lab
Classification: Benign for Aortic aneurysm, familial thoracic 7. Last evaluated: 2021-09-05. Review status: criteria provided, single submitter. Criteria: ACMG Guidelines, 2015. Collection method: clinical testing. Allele origin: germline. Affected: no.

Genome-Nilou Lab
Classification: Benign for Megacystis-microcolon-intestinal hypoperistalsis syndrome 1. Last evaluated: 2021-09-05. Review status: criteria provided, single submitter. Criteria: ACMG Guidelines, 2015. Collection method: clinical testing. Allele origin: germline. Affected: no.

Mendelics
Classification: Benign for Aortic aneurysm, familial thoracic 7. Last evaluated: 2019-05-28. Review status: criteria provided, single submitter. Criteria: Mendelics Assertion Criteria 2017. Collection method: clinical testing. Allele origin: unknown.

Illumina Laboratory Services, Illumina
Classification: Benign for Aortic aneurysm, familial thoracic 7. Last evaluated: 2018-01-12. Review status: criteria provided, single submitter. Criteria: ICSL Variant Classification Criteria 13 December 2019. Collection method: clinical testing. Allele origin: germline.
Comment: This variant was observed in the ICSL laboratory as part of a predisposition screen in an ostensibly healthy population. It had not been previously curated by ICSL or reported in the Human Gene Mutation Database (HGMD: prior to June 1st, 2018), and was therefore a candidate for classification through an automated scoring system. Utilizing variant allele frequency, disease prevalence and penetrance estimates, and inheritance mode, an automated score was calculated to assess if this variant is too frequent to cause the disease. Based on the score and internal cut-off values, a variant classified as benign is not then subjected to further curation. The score for this variant resulted in a classification of benign for this disease.

GeneDx
Classification: Benign. Last evaluated: 2016-09-22. Review status: criteria provided, single submitter. Criteria: GeneDx Variant Classification (06012015). Collection method: clinical testing. Allele origin: germline. Affected: yes.
Comment: This variant is considered likely benign or benign based on one or more of the following criteria: it is a conservative change, it occurs at a poorly conserved position in the protein, it is predicted to be benign by multiple in silico algorithms, and/or has population frequency not consistent with disease.

Women's Health and Genetics/Laboratory Corporation of America, LabCorp
Classification: Benign. Last evaluated: 2016-02-12. Review status: criteria provided, single submitter. Criteria: LabCorp Variant Classification Summary - May 2015. Collection method: clinical testing. Allele origin: germline.

CHEO Genetics Diagnostic Laboratory, Children's Hospital of Eastern Ontario
Classification: Benign for Familial thoracic aortic aneurysm and aortic dissection. Last evaluated: 2016-01-25. Review status: criteria provided, single submitter. Criteria: ACMG Guidelines, 2015. Collection method: clinical testing. Allele origin: germline. Study: Canadian Open Genetics Repository.

Mayo Clinic Laboratories, Mayo Clinic
Classification: Benign. Last evaluated: 2015-03-17. Review status: criteria provided, single submitter. Criteria: ACMG Guidelines, 2015. Collection method: clinical testing. Allele origin: germline. Observed: 1,474 variant alleles.

Ambry Genetics
Classification: Benign for Familial thoracic aortic aneurysm and aortic dissection. Last evaluated: 2014-12-30. Review status: criteria provided, single submitter. Criteria: Ambry Variant Classification Scheme 2023. Collection method: clinical testing. Allele origin: germline.

Laboratory for Molecular Medicine, Mass General Brigham Personalized Medicine
Classification: Benign. Last evaluated: 2013-04-04. Review status: criteria provided, single submitter. Criteria: LMM Criteria. Collection method: clinical testing. Allele origin: germline. Observed: 35 variant alleles.
Comment: Leu496Val in exon 11 of MYLK: This variant is not expected to have clinical sign ificance because it has been identified in 100.0% (362/362) of mixed American ch romosomes from a broad population by the 1000 Genomes Project (dbSNP rs9833275).

Breakthrough Genomics
Classification: Benign. Review status: criteria provided, single submitter. Criteria: ACMG Guidelines, 2015. Collection method: not provided. Allele origin: germline. Inheritance: Autosomal recessive inheritance. Affected: yes.

PreventionGenetics, part of Exact Sciences
Classification: Benign. Review status: criteria provided, single submitter. Criteria: ACMG Guidelines, 2015. Collection method: clinical testing. Allele origin: germline.

Diagnostic Laboratory, Department of Genetics, University Medical Center Groningen
Classification: Benign for Aortic aneurysm, familial thoracic 7. Review status: no assertion criteria provided. Collection method: clinical testing. Allele origin: germline. Affected: yes. Study: VKGL Data-share Consensus. Not counted in ClinVar's aggregate classification.

Genome Diagnostics Laboratory, Amsterdam University Medical Center
Classification: Benign. Review status: no assertion criteria provided. Collection method: clinical testing. Allele origin: germline. Affected: yes. Study: VKGL Data-share Consensus. Not counted in ClinVar's aggregate classification.

Joint Genome Diagnostic Labs from Nijmegen and Maastricht, Radboudumc and MUMC+
Classification: Benign. Review status: no assertion criteria provided. Collection method: clinical testing. Allele origin: germline. Affected: yes. Study: VKGL Data-share Consensus. Not counted in ClinVar's aggregate classification.